The following is an entry in ClinVar:

NM_000540.3(RYR1):c.4454+29G>A

Gene: RYR1 (ryanodine receptor 1; plus strand). Cytogenetic location: 19q13.2.
Variant type: single nucleotide variant.
Coding change: c.4454+29G>A on transcript NM_000540.3 (MANE Select); 29 bases into the intron after coding-DNA position 4454, G replaced by A.
Molecular consequence: intron variant.
Genome position (GRCh38, 1-based): chr19:38,477,899, G>A. VCF-style: chr19-38477899-G-A. GRCh37 (hg19) VCF-style: chr19-38968539-G-A.
Other names: c.4454+29G>A (NM_001042723.2).
Identifiers: ClinVar variation 133130 (VCV000133130.4), dbSNP rs7258503, ClinGen allele CA024445.

ClinVar aggregate classification (germline): Benign. Review status: criteria provided, multiple submitters, no conflicts (2 of 4 stars). 4 submissions from 4 submitters: Benign (3). 1 of the submissions does not count toward it. Last evaluated 2018-06-19.

Allele frequency attached by ClinVar (database versions not stated): ExAC 0.01073; gnomAD 0.03112 and 0.03325; ESP Exome Variant Server 0.03530; 1000 Genomes Project 0.03634; TOPMed 0.03698; 1000 Genomes Project 30x 0.03716.
gnomAD v4.1: 8,705 of 1,389,548 alleles (0.63%); highest among the groups gnomAD compares: African/African-American, 11%; 473 homozygotes.

Submissions (4):

GeneDx
Classification: Benign. Last evaluated: 2018-06-19. Review status: criteria provided, single submitter. Criteria: GeneDx Variant Classification (06012015). Collection method: clinical testing. Allele origin: germline. Affected: yes.
Comment: This variant is considered likely benign or benign based on one or more of the following criteria: it is a conservative change, it occurs at a poorly conserved position in the protein, it is predicted to be benign by multiple in silico algorithms, and/or has population frequency not consistent with disease.

PreventionGenetics, part of Exact Sciences
Classification: Benign. Last evaluated: 2013-10-22. Review status: criteria provided, single submitter. Criteria: ACMG Guidelines, 2015. Collection method: clinical testing. Allele origin: germline.

Breakthrough Genomics
Classification: Benign. Review status: criteria provided, single submitter. Criteria: ACMG Guidelines, 2015. Collection method: not provided. Allele origin: germline. Inheritance: Autosomal recessive inheritance. Affected: yes.

RYR1 database
No classification provided. Review status: no classification provided. Collection method: not provided. Allele origin: unknown. Not counted in ClinVar's aggregate classification.